The following is an entry in ClinVar:

NM_020806.5(GPHN):c.1342G>T (p.Ala448Ser)

Gene: GPHN (gephyrin; plus strand). Cytogenetic location: 14q23.3.
Variant type: single nucleotide variant.
Coding change: c.1342G>T on transcript NM_020806.5 (MANE Select); coding-DNA position 1342, G replaced by T.
Protein change: p.Ala448Ser; replaces alanine 448 with serine.
Molecular consequence: missense variant.
Genome position (GRCh38, 1-based): chr14:67,110,188, G>T. VCF-style: chr14-67110188-G-T. GRCh37 (hg19) VCF-style: chr14-67576905-G-T.
Other names: c.1243G>T, p.Ala415Ser (NM_001024218.2); c.1402G>T, p.Ala468Ser (NM_001377514.1); c.1372G>T, p.Ala458Ser (NM_001377515.1); c.1363G>T, p.Ala455Ser (NM_001377516.1); c.1315G>T, p.Ala439Ser (NM_001377517.1); c.1300G>T, p.Ala434Ser (NM_001377518.1); c.1282G>T, p.Ala428Ser (NM_001377519.1); short protein forms A415S, A428S, A434S, A439S, A448S, A455S, A458S, A468S.
Identifiers: ClinVar variation 1213128 (VCV001213128.9), dbSNP rs2153685279, ClinGen allele CA390257888.

ClinVar aggregate classification (germline): Uncertain significance. Review status: criteria provided, multiple submitters, no conflicts (2 of 4 stars). 2 submissions from 2 submitters: Uncertain significance (2). Last evaluated 2024-01-12.

Conditions:
Sulfite oxidase deficiency due to molybdenum cofactor deficiency type C. Also called: Molybdenum cofactor deficiency C; Molybdenum cofactor deficiency, complementation group C. Identifiers: Orphanet 308400, Orphanet 833, MedGen C1854990, MONDO:0014212, OMIM 615501.

gnomAD v4.1: 2 of 1,612,386 alleles (0.00012%); highest among the groups gnomAD compares: Non-Finnish European, 0.00017%; no homozygotes.

Submissions (2):

Labcorp Genetics (formerly Invitae), Labcorp
Classification: Uncertain significance for Sulfite oxidase deficiency due to molybdenum cofactor deficiency type C. Last evaluated: 2024-01-12. Review status: criteria provided, single submitter. Criteria: Invitae Variant Classification Sherloc (09022015). Collection method: clinical testing. Allele origin: germline.
Comment: This sequence change replaces alanine, which is neutral and non-polar, with serine, which is neutral and polar, at codon 448 of the GPHN protein (p.Ala448Ser). This variant is not present in population databases (gnomAD no frequency). This variant has not been reported in the literature in individuals affected with GPHN-related conditions. ClinVar contains an entry for this variant (Variation ID: 1213128). Advanced modeling of protein sequence and biophysical properties (such as structural, functional, and spatial information, amino acid conservation, physicochemical variation, residue mobility, and thermodynamic stability) performed at Invitae indicates that this missense variant is not expected to disrupt GPHN protein function with a negative predictive value of 80%. In summary, the available evidence is currently insufficient to determine the role of this variant in disease. Therefore, it has been classified as a Variant of Uncertain Significance.

GeneDx
Classification: Uncertain significance. Last evaluated: 2019-12-31. Review status: criteria provided, single submitter. Criteria: GeneDx Variant Classification Process June 2021. Collection method: clinical testing. Allele origin: germline. Affected: yes.
Comment: Not observed in large population cohorts (Lek et al., 2016); In silico analysis, which includes protein predictors and evolutionary conservation, supports a deleterious effect; Has not been previously published as pathogenic or benign to our knowledge